The following is an entry in ClinVar:

ClinVar aggregate classification (germline): Uncertain significance (1 of 4 stars; one submission).

Submission:

GeneDx
Classification: Uncertain significance. Last evaluated: 2024-07-02. Review status: criteria provided, single submitter. Criteria: GeneDx Variant Classification Process June 2021. Collection method: clinical testing. Allele origin: germline. Affected: yes.
Comment: Not observed at significant frequency in large population cohorts (gnomAD); In silico analysis supports a deleterious effect on splicing; Has not been previously published as pathogenic or benign to our knowledge

NM_004463.3(FGD1):c.1498-8T>A

Gene: FGD1 (FYVE, RhoGEF and PH domain containing 1; minus strand). Cytogenetic location: Xp11.22.
Variant type: single nucleotide variant.
Coding change: c.1498-8T>A on transcript NM_004463.3 (MANE Select); 8 bases into the intron before coding-DNA position 1498, T replaced by A.
Molecular consequence: intron variant.
Genome position (GRCh38, 1-based): chrX:54,465,597, A>T on the plus strand (T>A on the coding strand, the complement: FGD1 is on the minus strand). VCF-style: chrX-54465597-A-T. GRCh37 (hg19) VCF-style: chrX-54492030-A-T.
Identifiers: ClinVar variation 3393855 (VCV003393855.1).